The following is an entry in ClinVar:

NM_005876.5(SPEG):c.6857C>G (p.Pro2286Arg)

Genes: ASIC4-AS1 (ASIC4 antisense RNA 1; minus strand), SPEG (striated muscle enriched protein kinase; plus strand). Cytogenetic location: 2q35.
Variant type: single nucleotide variant.
Coding change: c.6857C>G on transcript NM_005876.5 (MANE Select); coding-DNA position 6857, C replaced by G.
Protein change: p.Pro2286Arg; replaces proline 2286 with arginine.
Molecular consequence: missense variant.
Genome position (GRCh38, 1-based): chr2:219,484,320, C>G. VCF-style: chr2-219484320-C-G. GRCh37 (hg19) VCF-style: chr2-220349042-C-G.
Other names: short protein forms P2286R.
Identifiers: ClinVar variation 3652713 (VCV003652713.2).

ClinVar aggregate classification (germline): Uncertain significance (1 of 4 stars; one submission).

Submission:

Labcorp Genetics (formerly Invitae), Labcorp
Classification: Uncertain significance. Last evaluated: 2024-05-27. Review status: criteria provided, single submitter. Criteria: Invitae Variant Classification Sherloc (09022015). Collection method: clinical testing. Allele origin: germline.
Comment: This sequence change replaces proline, which is neutral and non-polar, with arginine, which is basic and polar, at codon 2286 of the SPEG protein (p.Pro2286Arg). This variant is not present in population databases (gnomAD no frequency). This variant has not been reported in the literature in individuals affected with SPEG-related conditions. An algorithm developed to predict the effect of missense changes on protein structure and function (PolyPhen-2) suggests that this variant is likely to be tolerated. In summary, the available evidence is currently insufficient to determine the role of this variant in disease. Therefore, it has been classified as a Variant of Uncertain Significance.